The following is an entry in ClinVar:

ClinVar aggregate classification (germline): Benign/Likely benign. Review status: criteria provided, multiple submitters, no conflicts (2 of 4 stars). 3 submissions from 3 submitters: Benign (1); Likely benign (1). 1 of the submissions does not count toward it. Last evaluated 2025-12-15.

Conditions:
LAMA5-related disorder. Also called: LAMA5-Related Disorders; LAMA5-related condition.

Allele frequency attached by ClinVar (database versions not stated): ESP Exome Variant Server 0.00015; gnomAD exomes 0.00015 and 0.00091; gnomAD 0.00050 and 0.00053; TOPMed 0.00057; ExAC 0.00077; 1000 Genomes Project 30x 0.00078; 1000 Genomes Project 0.00100.
gnomAD v4.1: 416 of 1,609,052 alleles (0.026%); highest among the groups gnomAD compares: East Asian, 0.54%; 5 homozygotes.

Submissions (3):

Labcorp Genetics (formerly Invitae), Labcorp
Classification: Benign. Last evaluated: 2025-12-15. Review status: criteria provided, single submitter. Criteria: Invitae Variant Classification Sherloc (09022015). Collection method: clinical testing. Allele origin: germline.

Blueprint Genetics
Classification: Likely benign. Last evaluated: 2024-11-25. Review status: criteria provided, single submitter. Criteria: ACMG Guidelines, 2015. Collection method: clinical testing. Allele origin: germline.

PreventionGenetics, part of Exact Sciences
Classification: Benign for LAMA5-related condition. Last evaluated: 2019-06-26. Review status: no assertion criteria provided. Collection method: clinical testing. Allele origin: germline. Not counted in ClinVar's aggregate classification.
Comment: This variant is classified as benign based on ACMG/AMP sequence variant interpretation guidelines (Richards et al. 2015 PMID: 25741868, with internal and published modifications).

NM_005560.6(LAMA5):c.7185A>G (p.Thr2395=)

Gene: LAMA5 (laminin subunit alpha 5; minus strand). Cytogenetic location: 20q13.33.
Variant type: single nucleotide variant.
Coding change: c.7185A>G on transcript NM_005560.6 (MANE Select); coding-DNA position 7185, A replaced by G.
Protein change: p.Thr2395=; no amino-acid change (threonine 2395 retained).
Molecular consequence: synonymous variant.
Genome position (GRCh38, 1-based): chr20:62,318,508, T>C on the plus strand (A>G on the coding strand, the complement: LAMA5 is on the minus strand). VCF-style: chr20-62318508-T-C. GRCh37 (hg19) VCF-style: chr20-60893564-T-C.
Other names: c.7185A>G (NM_005560.4).
Identifiers: ClinVar variation 1587267 (VCV001587267.11), dbSNP rs200996127, ClinGen allele CA9941388.